The following is an entry in ClinVar:

NM_015102.5(NPHP4):c.139G>A (p.Val47Met)

Gene: NPHP4 (nephrocystin 4; minus strand). Cytogenetic location: 1p36.31.
Variant type: single nucleotide variant.
Coding change: c.139G>A on transcript NM_015102.5 (MANE Select); coding-DNA position 139, G replaced by A.
Protein change: p.Val47Met; replaces valine 47 with methionine.
Molecular consequence: missense variant. On other transcripts: 5 prime UTR variant (1), non-coding transcript variant (1), intron variant (1).
Genome position (GRCh38, 1-based): chr1:5,978,410, C>T on the plus strand (G>A on the coding strand, the complement: NPHP4 is on the minus strand). VCF-style: chr1-5978410-C-T. GRCh37 (hg19) VCF-style: chr1-6038470-C-T.
Other names: c.-1091G>A (NM_001291593.2); c.-1087-9151G>A (NM_001291594.2); short protein forms V47M.
Identifiers: ClinVar variation 1397409 (VCV001397409.6), dbSNP rs1288396418, ClinGen allele CA338053488.
Genomic context (GRCh38, chr1:5,978,410, plus strand): 5'-AGGTGACATCAAAGAAAGACACTCGCAGATGGCATTCAACCTCTGACAGTACCTCCAGCA[C>T]GCCCTAGGAGACAACGGGGAATTGACCCTCAAGAGTCTGAGCACCATGAGCCAGGAGGTC-3'
Protein context (NP_055917.1, residues 37-57): WLDGPVIRQG[Val47Met]LEVLSEVECH

ClinVar aggregate classification (germline): Uncertain significance (1 of 4 stars; one submission).

Conditions:
Nephronophthisis. Also called: Juvenile Nephronophthisis. Identifiers: Orphanet 655, MedGen C0687120, MONDO:0019005, HP:0000090.

Allele frequency attached by ClinVar (database versions not stated): gnomAD 0.00001 and 0.00004; TOPMed 0.00001.
gnomAD v4.1: 14 of 1,601,776 alleles (0.00087%); highest among the groups gnomAD compares: South Asian, 0.0056%; no homozygotes.

Submission:

Labcorp Genetics (formerly Invitae), Labcorp
Classification: Uncertain significance for Nephronophthisis. Last evaluated: 2021-09-06. Review status: criteria provided, single submitter. Criteria: Invitae Variant Classification Sherloc (09022015). Collection method: clinical testing. Allele origin: germline.
Comment: In summary, the available evidence is currently insufficient to determine the role of this variant in disease. Therefore, it has been classified as a Variant of Uncertain Significance. Algorithms developed to predict the effect of missense changes on protein structure and function output the following: SIFT: "Tolerated"; PolyPhen-2: "Benign"; Align-GVGD: "Class C0". The methionine amino acid residue is found in multiple mammalian species, which suggests that this missense change does not adversely affect protein function. This variant has not been reported in the literature in individuals affected with NPHP4-related conditions. This variant is not present in population databases (ExAC no frequency). This sequence change replaces valine with methionine at codon 47 of the NPHP4 protein (p.Val47Met). The valine residue is weakly conserved and there is a small physicochemical difference between valine and methionine.